The following is an entry in ClinVar:

NM_001365999.1(SZT2):c.1240C>G (p.Arg414Gly)

Gene: SZT2 (SZT2 subunit of KICSTOR complex; plus strand). Cytogenetic location: 1p34.2.
Variant type: single nucleotide variant.
Coding change: c.1240C>G on transcript NM_001365999.1 (MANE Select); coding-DNA position 1240, C replaced by G.
Protein change: p.Arg414Gly; replaces arginine 414 with glycine.
Molecular consequence: missense variant.
Genome position (GRCh38, 1-based): chr1:43,420,302, C>G. VCF-style: chr1-43420302-C-G. GRCh37 (hg19) VCF-style: chr1-43885973-C-G.
Other names: c.1240C>G, p.Arg414Gly (NM_015284.4); short protein forms R414G.
Identifiers: ClinVar variation 1710850 (VCV001710850.10), dbSNP rs749969629, ClinGen allele CA21628860.
Genomic context (GRCh38, chr1:43,420,302, plus strand): 5'-GAGGTGCCAGCCGACTTGGTCAGCACTGTGTCCGTACGGCTTCGAGAGGGCTACAGTGTC[C>G]GAGAGGTCACACTGGCCAAAGGTAAGGGTCATTAGGCCCTGCTGTAATCCCATAGATCTC-3'
Protein context (NP_001352928.1, residues 404-424): SVRLREGYSV[Arg414Gly]EVTLAKGGSQ

ClinVar aggregate classification (germline): Uncertain significance. Review status: criteria provided, multiple submitters, no conflicts (2 of 4 stars). 4 submissions from 4 submitters: Uncertain significance (4). Last evaluated 2023-04-11.

Conditions:
Developmental and epileptic encephalopathy, 18 (DEE18). Also called: Early infantile epileptic encephalopathy 18. Identifiers: Orphanet 369894, MedGen C3809624, MONDO:0014201, OMIM 615476.

Submissions (4):

Genome-Nilou Lab
Classification: Uncertain significance for Developmental and epileptic encephalopathy, 18. Last evaluated: 2023-04-11. Review status: criteria provided, single submitter. Criteria: ACMG Guidelines, 2015. Collection method: clinical testing. Allele origin: germline. Affected: no.

Greenwood Genetic Center Diagnostic Laboratories, Greenwood Genetic Center
Classification: Uncertain significance. Last evaluated: 2022-10-25. Review status: criteria provided, single submitter. Criteria: ACMG Guidelines, 2015. Collection method: clinical testing. Allele origin: germline. Affected: yes.
Comment: PM2

Labcorp Genetics (formerly Invitae), Labcorp
Classification: Uncertain significance. Last evaluated: 2022-07-23. Review status: criteria provided, single submitter. Criteria: Invitae Variant Classification Sherloc (09022015). Collection method: clinical testing. Allele origin: germline.
Comment: In summary, the available evidence is currently insufficient to determine the role of this variant in disease. Therefore, it has been classified as a Variant of Uncertain Significance. Algorithms developed to predict the effect of missense changes on protein structure and function are either unavailable or do not agree on the potential impact of this missense change (SIFT: "Deleterious"; PolyPhen-2: "Probably Damaging"; Align-GVGD: "Class C0"). This missense change has been observed in individual(s) with clinical features of SZT2-related conditions (Invitae). This variant is present in population databases (no rsID available, gnomAD no frequency). This sequence change replaces arginine, which is basic and polar, with glycine, which is neutral and non-polar, at codon 414 of the SZT2 protein (p.Arg414Gly).

GeneDx
Classification: Uncertain significance. Last evaluated: 2022-04-11. Review status: criteria provided, single submitter. Criteria: GeneDx Variant Classification Process June 2021. Collection method: clinical testing. Allele origin: germline. Affected: yes.
Comment: Not observed at significant frequency in large population cohorts (gnomAD); In silico analysis supports that this missense variant has a deleterious effect on protein structure/function; Has not been previously published as pathogenic or benign to our knowledge